The following is an entry in ClinVar:

ClinVar aggregate classification (germline): Uncertain significance (1 of 4 stars; one submission).

gnomAD v4.1: 11 of 1,614,116 alleles (0.00068%); highest among the groups gnomAD compares: Admixed American, 0.018%; no homozygotes.

Submission:

Labcorp Genetics (formerly Invitae), Labcorp
Classification: Uncertain significance. Last evaluated: 2022-07-21. Review status: criteria provided, single submitter. Criteria: Invitae Variant Classification Sherloc (09022015). Collection method: clinical testing. Allele origin: germline.
Comment: This sequence change replaces threonine, which is neutral and polar, with isoleucine, which is neutral and non-polar, at codon 72 of the NDUFAF1 protein (p.Thr72Ile). This variant is present in population databases (rs200472799, gnomAD 0.02%). This variant has not been reported in the literature in individuals affected with NDUFAF1-related conditions. Algorithms developed to predict the effect of missense changes on protein structure and function output the following: SIFT: "Tolerated"; PolyPhen-2: "Benign"; Align-GVGD: "Class C0". The isoleucine amino acid residue is found in multiple mammalian species, which suggests that this missense change does not adversely affect protein function. In summary, the available evidence is currently insufficient to determine the role of this variant in disease. Therefore, it has been classified as a Variant of Uncertain Significance.

NM_016013.4(NDUFAF1):c.215C>T (p.Thr72Ile)

Gene: NDUFAF1 (NADH:ubiquinone oxidoreductase complex assembly factor 1; minus strand). Cytogenetic location: 15q15.1.
Variant type: single nucleotide variant.
Coding change: c.215C>T on transcript NM_016013.4 (MANE Select); coding-DNA position 215, C replaced by T.
Protein change: p.Thr72Ile; replaces threonine 72 with isoleucine.
Molecular consequence: missense variant. On other transcripts: non-coding transcript variant (1).
Genome position (GRCh38, 1-based): chr15:41,396,845, G>A on the plus strand (C>T on the coding strand, the complement: NDUFAF1 is on the minus strand). VCF-style: chr15-41396845-G-A. GRCh37 (hg19) VCF-style: chr15-41689043-G-A.
Other names: short protein forms T72I.
Identifiers: ClinVar variation 1988919 (VCV001988919.4), dbSNP rs200472799, ClinGen allele CA7491377.